The following is an entry in ClinVar:

NM_002473.6(MYH9):c.575C>T (p.Ala192Val)

Gene: MYH9 (myosin heavy chain 9; minus strand). Cytogenetic location: 22q12.3.
Variant type: single nucleotide variant.
Coding change: c.575C>T on transcript NM_002473.6 (MANE Select); coding-DNA position 575, C replaced by T.
Protein change: p.Ala192Val; replaces alanine 192 with valine.
Molecular consequence: missense variant.
Genome position (GRCh38, 1-based): chr22:36,326,605, G>A on the plus strand (C>T on the coding strand, the complement: MYH9 is on the minus strand). VCF-style: chr22-36326605-G-A. GRCh37 (hg19) VCF-style: chr22-36722650-G-A.
Other names: short protein forms A192V.
Identifiers: ClinVar variation 2634717 (VCV002634717.4), dbSNP rs1330043219, ClinGen allele CA411407962.

ClinVar aggregate classification (germline): Conflicting classifications of pathogenicity. Review status: criteria provided, conflicting classifications (1 of 4 stars). 2 submissions from 2 submitters: Uncertain significance (1); Likely benign (1). Last evaluated 2025-01-31.

Conditions:
MYH9-related disorder. Identifiers: MedGen C1854520.

Allele frequency attached by ClinVar (database versions not stated): TOPMed below 0.00001; gnomAD 0.00001; gnomAD exomes 0.00001.
gnomAD v4.1: 20 of 1,614,072 alleles (0.0012%); highest among the groups gnomAD compares: Non-Finnish European, 0.0014%; no homozygotes.

Submissions (2):

PreventionGenetics, part of Exact Sciences
Classification: Uncertain significance for MYH9-related condition. Last evaluated: 2025-01-31. Review status: criteria provided, single submitter. Criteria: ACMG Guidelines, 2015. Collection method: clinical testing. Allele origin: germline.
Comment: The MYH9 c.575C>T variant is predicted to result in the amino acid substitution p.Ala192Val. This variant was reported in a large-scale genetic analysis of individual with neurodevelopmental disorders (Supplementary Data 5, Wang et al. 2020. PubMed ID: 33004838). This variant is reported in 0.0040% of alleles in individuals of African descent in gnomAD. At this time, the clinical significance of this variant is uncertain due to the absence of conclusive functional and genetic evidence.

Labcorp Genetics (formerly Invitae), Labcorp
Classification: Likely benign. Last evaluated: 2024-05-06. Review status: criteria provided, single submitter. Criteria: Invitae Variant Classification Sherloc (09022015). Collection method: clinical testing. Allele origin: germline.